The following is an entry in ClinVar:

NM_001370259.2(MEN1):c.1824A>C (p.Lys608Asn)

Gene: MEN1 (menin 1; minus strand). Cytogenetic location: 11q13.1.
Variant type: single nucleotide variant.
Coding change: c.1824A>C on transcript NM_001370259.2 (MANE Select); coding-DNA position 1824, A replaced by C.
Protein change: p.Lys608Asn; replaces lysine 608 with asparagine.
Molecular consequence: missense variant. On other transcripts: non-coding transcript variant (4).
Genome position (GRCh38, 1-based): chr11:64,804,343, T>G on the plus strand (A>C on the coding strand, the complement: MEN1 is on the minus strand). VCF-style: chr11-64804343-T-G. GRCh37 (hg19) VCF-style: chr11-64571815-T-G.
Other names: c.1824A>C, p.Lys608Asn (NM_001370260.2, NM_001370261.2, NM_001407146.1 and 2 more transcripts); c.1719A>C, p.Lys573Asn (NM_001370262.2, NM_001370263.2, NM_001407148.1 and 1 more transcripts); c.1950A>C, p.Lys650Asn (NM_001407142.1, NM_001407143.1, NM_001407144.1 and 1 more transcripts); c.1839A>C, p.Lys613Asn (NM_001407145.1, NM_000244.4, NM_130800.3 and 4 more transcripts); c.1965A>C, p.Lys655Asn (NM_001407150.1); c.1845A>C, p.Lys615Asn (NM_001407151.1); c.1659A>C, p.Lys553Asn (NM_001407152.1); short protein forms K553N, K573N, K608N, K613N, K615N, K650N, K655N.
Identifiers: ClinVar variation 3075324 (VCV003075324.1), dbSNP rs2497097664, ClinGen allele CA381177034.

ClinVar aggregate classification (germline): Uncertain significance (1 of 4 stars; one submission).

Conditions:
Multiple endocrine neoplasia, type 1 (MEN1). Also called: MEN I; WERMER SYNDROME; Endocrine adenomatosis multiple; MEN 1; MEA I. Identifiers: Orphanet 652, MedGen C0025267, MeSH D018761, MONDO:0007540, OMIM 131100.

Submission:

All of Us Research Program, National Institutes of Health
Classification: Uncertain significance for Multiple endocrine neoplasia, type 1. Last evaluated: 2024-01-11. Review status: criteria provided, single submitter. Criteria: ACMG Guidelines, 2015. Collection method: clinical testing. Allele origin: germline. Inheritance: Autosomal dominant inheritance. Observed: 1 variant allele, 1 heterozygote.
Comment: This study involves interpretation of variants in research participants for the purpose of population health screening. Participant phenotype was not available at the time of variant classification. Additional details can be found in publication PMID: 35346344, PMCID: PMC8962531